The following is an entry in ClinVar:

ClinVar aggregate classification (germline): Uncertain significance. Review status: criteria provided, multiple submitters, no conflicts (2 of 4 stars). 3 submissions from 3 submitters: Uncertain significance (3). Last evaluated 2025-05-12.

Conditions:
Cardiovascular phenotype. Identifiers: MedGen CN230736.
Hereditary cancer-predisposing syndrome. Also called: Tumor predisposition; Hereditary neoplastic syndrome; Hereditary Cancer Syndrome; Neoplastic Syndromes, Hereditary. Identifiers: Orphanet 140162, MedGen C0027672, MeSH D009386, MONDO:0015356.

Allele frequency attached by ClinVar (database versions not stated): gnomAD exomes below 0.00001 and 0.00001.
gnomAD v4.1: 6 of 1,613,552 alleles (0.00037%); highest among the groups gnomAD compares: Admixed American, 0.0033%; no homozygotes.

Submissions (3):

Ambry Genetics
Classification: Uncertain significance for Cardiovascular phenotype; Hereditary cancer-predisposing syndrome. Last evaluated: 2025-05-12. Review status: criteria provided, single submitter. Criteria: Ambry Variant Classification Scheme 2023. Collection method: clinical testing. Allele origin: germline.
Comment: The p.C760R variant (also known as c.2278T>C), located in coding exon 19 of the LZTR1 gene, results from a T to C substitution at nucleotide position 2278. The cysteine at codon 760 is replaced by arginine, an amino acid with highly dissimilar properties. This variant has been reported in individuals with schwannomatosis (Paganini I et al. Eur J Hum Genet, 2015 Jul;23:963-8; Caltabiano R et al. Childs Nerv Syst, 2017 Jun;33:933-940). This amino acid position is highly conserved in available vertebrate species. In addition, this alteration is predicted to be deleterious by in silico analysis. Based on the available evidence, the clinical significance of this variant remains unclear.

Labcorp Genetics (formerly Invitae), Labcorp
Classification: Uncertain significance. Last evaluated: 2025-03-09. Review status: criteria provided, single submitter. Criteria: Invitae Variant Classification Sherloc (09022015). Collection method: clinical testing. Allele origin: germline.
Comment: This sequence change replaces cysteine, which is neutral and slightly polar, with arginine, which is basic and polar, at codon 760 of the LZTR1 protein (p.Cys760Arg). This variant is present in population databases (no rsID available, gnomAD 0.006%). This missense change has been observed in individual(s) with schwannomatosis (PMID: 25335493). ClinVar contains an entry for this variant (Variation ID: 917678). Invitae Evidence Modeling of protein sequence and biophysical properties (such as structural, functional, and spatial information, amino acid conservation, physicochemical variation, residue mobility, and thermodynamic stability) indicates that this missense variant is not expected to disrupt LZTR1 protein function with a negative predictive value of 80%. In summary, the available evidence is currently insufficient to determine the role of this variant in disease. Therefore, it has been classified as a Variant of Uncertain Significance.

Women's Health and Genetics/Laboratory Corporation of America, LabCorp
Classification: Uncertain significance. Last evaluated: 2024-09-09. Review status: criteria provided, single submitter. Criteria: LabCorp Variant Classification Summary - May 2015. Collection method: clinical testing. Allele origin: germline.
Comment: Variant summary: LZTR1 c.2278T>C (p.Cys760Arg) results in a non-conservative amino acid change located in the BTB/POZ domain (IPR000210) of the encoded protein sequence. Five of five in-silico tools predict a damaging effect of the variant on protein function. The variant allele was found at a frequency of 8e-06 in 251196 control chromosomes (gnomAD). The available data on variant occurrences in the general population are insufficient to allow any conclusion about variant significance. c.2278T>C has been reported in the literature in individuals affected with Schwannomatosis (e.g. Caltabiano_2017, Paganini_2015). These report(s) do not provide unequivocal conclusions about association of the variant with Noonan Syndrome and Related Conditions. To our knowledge, no experimental evidence demonstrating an impact on protein function has been reported. The following publications have been ascertained in the context of this evaluation (PMID: 28365909, 27921248, 30481304, 25335493, 30368668, 25795793). ClinVar contains an entry for this variant (Variation ID: 917678). Based on the evidence outlined above, the variant was classified as uncertain significance.

Literature cited by the submitters: PubMed 25335493 (cited by 3 submitters); PubMed 28365909 (cited by Ambry Genetics and Women's Health and Genetics/Laboratory Corporation of America, LabCorp); PubMed 25795793 (cited by Women's Health and Genetics/Laboratory Corporation of America, LabCorp); PubMed 27921248 (cited by Women's Health and Genetics/Laboratory Corporation of America, LabCorp); PubMed 30481304 (cited by Women's Health and Genetics/Laboratory Corporation of America, LabCorp); PubMed 30368668 (cited by Women's Health and Genetics/Laboratory Corporation of America, LabCorp).

NM_006767.4(LZTR1):c.2278T>C (p.Cys760Arg)

Gene: LZTR1 (leucine zipper like post translational regulator 1; plus strand). Cytogenetic location: 22q11.21.
Variant type: single nucleotide variant.
Coding change: c.2278T>C on transcript NM_006767.4 (MANE Select); coding-DNA position 2278, T replaced by C.
Protein change: p.Cys760Arg; replaces cysteine 760 with arginine.
Molecular consequence: missense variant.
Genome position (GRCh38, 1-based): chr22:20,996,754, T>C. VCF-style: chr22-20996754-T-C. GRCh37 (hg19) VCF-style: chr22-21351043-T-C.
Other names: short protein forms C760R.
Identifiers: ClinVar variation 917678 (VCV000917678.6), dbSNP rs1419388177, ClinGen allele CA410780845.